The following is an entry in ClinVar:

NM_000414.4(HSD17B4):c.1159A>T (p.Met387Leu)

Gene: HSD17B4 (hydroxysteroid 17-beta dehydrogenase 4; plus strand). Cytogenetic location: 5q23.1.
Variant type: single nucleotide variant.
Coding change: c.1159A>T on transcript NM_000414.4 (MANE Select); coding-DNA position 1159, A replaced by T.
Protein change: p.Met387Leu; replaces methionine 387 with leucine.
Molecular consequence: missense variant. On other transcripts: non-coding transcript variant (2).
Genome position (GRCh38, 1-based): chr5:119,499,503, A>T. VCF-style: chr5-119499503-A-T. GRCh37 (hg19) VCF-style: chr5-118835198-A-T.
Other names: c.1234A>T, p.Met412Leu (NM_001199291.3); c.1105A>T, p.Met369Leu (NM_001199292.2); c.1087A>T, p.Met363Leu (NM_001292027.2); c.739A>T, p.Met247Leu (NM_001292028.2); c.1150A>T, p.Met384Leu (NM_001374497.1); c.1159A>T, p.Met387Leu (NM_001374498.1); c.832A>T, p.Met278Leu (NM_001374499.1); c.718A>T, p.Met240Leu (NM_001374500.1); and 1 more; short protein forms M247L, M250L, M363L, M369L, M278L, M387L, M412L, M240L.
Identifiers: ClinVar variation 4999493 (VCV004999493.1).

ClinVar aggregate classification (germline): Uncertain significance (1 of 4 stars; one submission).

Conditions:
HSD17B4-related disorder. Also called: HSD17B4-related condition; HSD17B4-related disorders.

Submission:

PreventionGenetics, part of Exact Sciences
Classification: Uncertain significance for HSD17B4-related condition. Last evaluated: 2024-12-27. Review status: criteria provided, single submitter. Criteria: ACMG Guidelines, 2015. Collection method: clinical testing. Allele origin: germline.
Comment: The HSD17B4 c.1159A>T variant is predicted to result in the amino acid substitution p.Met387Leu. To our knowledge, this variant has not been reported in the literature or in a large population database (gnomAD), indicating this variant is rare. At this time, the clinical significance of this variant is uncertain due to the absence of conclusive functional and genetic evidence.